The following is an entry in ClinVar:

NM_001025616.3(ARHGAP24):c.1856G>A (p.Arg619Gln)

Gene: ARHGAP24 (Rho GTPase activating protein 24; plus strand). Cytogenetic location: 4q21.23.
Variant type: single nucleotide variant.
Coding change: c.1856G>A on transcript NM_001025616.3 (MANE Select); coding-DNA position 1856, G replaced by A.
Protein change: p.Arg619Gln; replaces arginine 619 with glutamine.
Molecular consequence: missense variant.
Genome position (GRCh38, 1-based): chr4:85,995,510, G>A. VCF-style: chr4-85995510-G-A. GRCh37 (hg19) VCF-style: chr4-86916663-G-A.
Other names: c.1571G>A, p.Arg524Gln (NM_001042669.2); c.1601G>A, p.Arg534Gln (NM_001287805.2); c.1277G>A, p.Arg426Gln (NM_001346093.2); c.1577G>A, p.Arg526Gln (NM_031305.3); short protein forms R534Q, R619Q, R426Q, R524Q, R526Q.
Identifiers: ClinVar variation 2061685 (VCV002061685.5), dbSNP rs759004152, ClinGen allele CA2994808.

ClinVar aggregate classification (germline): Uncertain significance (1 of 4 stars; one submission).

Allele frequency attached by ClinVar (database versions not stated): TOPMed below 0.00001; gnomAD exomes 0.00001; ExAC 0.00002.
gnomAD v4.1: 13 of 1,603,400 alleles (0.00081%); highest among the groups gnomAD compares: East Asian, 0.0067%; no homozygotes.

Submissions (2):

Labcorp Genetics (formerly Invitae), Labcorp
Classification: Uncertain significance. Last evaluated: 2022-09-10. Review status: criteria provided, single submitter. Criteria: Invitae Variant Classification Sherloc (09022015). Collection method: clinical testing. Allele origin: germline.
Comment: In summary, the available evidence is currently insufficient to determine the role of this variant in disease. Therefore, it has been classified as a Variant of Uncertain Significance. Algorithms developed to predict the effect of missense changes on protein structure and function (SIFT, PolyPhen-2, Align-GVGD) all suggest that this variant is likely to be tolerated. This variant has not been reported in the literature in individuals affected with ARHGAP24-related conditions. This variant is present in population databases (rs759004152, gnomAD 0.004%). This sequence change replaces arginine, which is basic and polar, with glutamine, which is neutral and polar, at codon 619 of the ARHGAP24 protein (p.Arg619Gln).

Dr. Peter K. Rogan Lab, Western University
No classification provided (evidence only). Condition: Colon adenocarcinoma. Review status: no classification provided. Collection method: in vitro. Allele origin: not applicable. Functional consequence: retained intron. Not counted in ClinVar's aggregate classification.